The following is an entry in ClinVar:

NM_004991.4(MECOM):c.1297T>C (p.Phe433Leu)

Gene: MECOM (MDS1 and EVI1 complex locus; minus strand). Cytogenetic location: 3q26.2.
Variant type: single nucleotide variant.
Coding change: c.1297T>C on transcript NM_004991.4 (MANE Select); coding-DNA position 1297, T replaced by C.
Protein change: p.Phe433Leu; replaces phenylalanine 433 with leucine.
Molecular consequence: missense variant. On other transcripts: intron variant (2).
Genome position (GRCh38, 1-based): chr3:169,116,575, A>G on the plus strand (T>C on the coding strand, the complement: MECOM is on the minus strand). VCF-style: chr3-169116575-A-G. GRCh37 (hg19) VCF-style: chr3-168834363-A-G.
Other names: c.928T>C, p.Phe310Leu (NM_001105077.4); c.733T>C, p.Phe245Leu (NM_001105078.4, NM_001164000.2, NM_001205194.2 and 4 more transcripts); c.736T>C, p.Phe246Leu (NM_001163999.2, NM_001366467.2, NM_001366468.2 and 1 more transcripts); c.1297T>C, p.Phe433Leu (NM_001366466.2); c.1133-808T>C (NM_001366473.2); c.569-808T>C (NM_001366474.2); short protein forms F245L, F433L, F246L, F310L.
Identifiers: ClinVar variation 3124826 (VCV003124826.2), dbSNP rs758244383, ClinGen allele CA2696368.

ClinVar aggregate classification (germline): Uncertain significance (1 of 4 stars; one submission).

Conditions:
Inborn genetic diseases. Identifiers: MedGen C0950123, MeSH D030342.

Allele frequency attached by ClinVar (database versions not stated): gnomAD exomes below 0.00001; gnomAD 0.00001; ExAC 0.00002; TOPMed 0.00002.
gnomAD v4.1: 5 of 1,614,078 alleles (0.00031%); highest among the groups gnomAD compares: African/African-American, 0.0027%; no homozygotes.

Submission:

Ambry Genetics
Classification: Uncertain significance for Inborn genetic diseases. Last evaluated: 2025-03-11. Review status: criteria provided, single submitter. Criteria: Ambry Variant Classification Scheme 2023. Collection method: clinical testing. Allele origin: germline.
Comment: The p.F433L variant (also known as c.1297T>C), located in coding exon 8 of the MECOM gene, results from a T to C substitution at nucleotide position 1297. The phenylalanine at codon 433 is replaced by leucine, an amino acid with highly similar properties. This amino acid position is conserved. In addition, the in silico prediction for this alteration is inconclusive. Based on the available evidence, the clinical significance of this variant remains unclear.